The following is an entry in ClinVar:

ClinVar aggregate classification (germline): Benign/Likely benign. Review status: criteria provided, multiple submitters, no conflicts (2 of 4 stars). 5 submissions from 5 submitters: Benign (1); Likely benign (4). Last evaluated 2026-08-01.

Conditions:
Collagen 6-related myopathy. Identifiers: MedGen CN117976, MONDO:0100225.
Bethlem myopathy 1A. Also called: Bethlem Muscular Dystrophy; MYOPATHY, BENIGN CONGENITAL, WITH CONTRACTURES; Bethlem myopathy 1. Identifiers: Orphanet 610, MedGen CN029274, MONDO:0024530, OMIM 158810.

Allele frequency attached by ClinVar (database versions not stated): ESP Exome Variant Server 0.00008; gnomAD 0.00016; 1000 Genomes Project 30x 0.00031; 1000 Genomes Project 0.00040; TOPMed 0.00054.
gnomAD v4.1: 685 of 1,613,126 alleles (0.042%); highest among the groups gnomAD compares: East Asian, 0.16%; 4 homozygotes.

Submissions (5):

CeGaT Center for Human Genetics Tuebingen
Classification: Likely benign. Last evaluated: 2026-08-01. Review status: criteria provided, single submitter. Criteria: CeGaT Center For Human Genetics Tuebingen Variant Classification Criteria Version 2. Collection method: clinical testing. Allele origin: germline. Affected: yes. Observed: 4 variant alleles.
Comment: COL6A3: BP4, BS2

Labcorp Genetics (formerly Invitae), Labcorp
Classification: Likely benign for Bethlem myopathy 1A. Last evaluated: 2026-02-01. Review status: criteria provided, single submitter. Criteria: Invitae Variant Classification Sherloc (09022015). Collection method: clinical testing. Allele origin: germline.

GeneDx
Classification: Likely benign. Last evaluated: 2020-10-26. Review status: criteria provided, single submitter. Criteria: GeneDx Variant Classification Process June 2021. Collection method: clinical testing. Allele origin: germline. Affected: yes.
Comment: This variant is associated with the following publications: (PMID: 30564623)

Eurofins Ntd Llc (ga)
Classification: Likely benign. Last evaluated: 2018-06-20. Review status: criteria provided, single submitter. Criteria: EGL ClinVar v180209 classification definitions. Collection method: clinical testing. Allele origin: germline. Observed: 8 variant alleles, 8 heterozygotes.

Illumina Laboratory Services, Illumina
Classification: Benign for Collagen VI-related myopathy. Last evaluated: 2018-01-12. Review status: criteria provided, single submitter. Criteria: ICSL Variant Classification Criteria 13 December 2019. Collection method: clinical testing. Allele origin: germline.
Comment: This variant was observed in the ICSL laboratory as part of a predisposition screen in an ostensibly healthy population. It had not been previously curated by ICSL or reported in the Human Gene Mutation Database (HGMD: prior to June 1st, 2018), and was therefore a candidate for classification through an automated scoring system. Utilizing variant allele frequency, disease prevalence and penetrance estimates, and inheritance mode, an automated score was calculated to assess if this variant is too frequent to cause the disease. Based on the score and internal cut-off values, a variant classified as benign is not then subjected to further curation. The score for this variant resulted in a classification of benign for this disease.

NM_004369.4(COL6A3):c.8804C>T (p.Ala2935Val)

Gene: COL6A3 (collagen type VI alpha 3 chain; minus strand). Cytogenetic location: 2q37.3.
Variant type: single nucleotide variant.
Coding change: c.8804C>T on transcript NM_004369.4 (MANE Select); coding-DNA position 8804, C replaced by T.
Protein change: p.Ala2935Val; replaces alanine 2935 with valine.
Molecular consequence: missense variant.
Genome position (GRCh38, 1-based): chr2:237,336,296, G>A on the plus strand (C>T on the coding strand, the complement: COL6A3 is on the minus strand). VCF-style: chr2-237336296-G-A. GRCh37 (hg19) VCF-style: chr2-238244939-G-A.
Other names: c.6983C>T, p.Ala2328Val (NM_057166.5); c.8186C>T, p.Ala2729Val (NM_057167.4); short protein forms A2935V, A2729V, A2328V.
Identifiers: ClinVar variation 283239 (VCV000283239.40), dbSNP rs36020669, ClinGen allele CA2187441.